The following is an entry in ClinVar:

NM_001039213.4(CEACAM16):c.37+6C>T

Genes: CEACAM16 (CEA cell adhesion molecule 16, tectorial membrane component; plus strand), CEACAM16-AS1 (CEACAM16, CEACAM19 and PVR antisense RNA 1; minus strand). Cytogenetic location: 19q13.32.
Variant type: single nucleotide variant.
Coding change: c.37+6C>T on transcript NM_001039213.4 (MANE Select); 6 bases into the intron after coding-DNA position 37, C replaced by T.
Molecular consequence: intron variant.
Genome position (GRCh38, 1-based): chr19:44,701,499, C>T. VCF-style: chr19-44701499-C-T. GRCh37 (hg19) VCF-style: chr19-45204769-C-T.
Identifiers: ClinVar variation 4848269 (VCV004848269.1).

ClinVar aggregate classification (germline): Uncertain significance (1 of 4 stars; one submission).

gnomAD v4.1: 26 of 1,562,964 alleles (0.0017%); highest among the groups gnomAD compares: South Asian, 0.0035%; 1 homozygote.

Submission:

Women's Health and Genetics/Laboratory Corporation of America, LabCorp
Classification: Uncertain significance. Last evaluated: 2026-02-17. Review status: criteria provided, single submitter. Criteria: LabCorp Variant Classification Summary - May 2015. Collection method: clinical testing. Allele origin: germline.
Comment: Variant summary: CEACAM16 c.37+6C>T alters a nucleotide located close to a canonical splice site and therefore could affect mRNA splicing, leading to a significantly altered protein sequence. Consensus agreement among computation tools predict no significant impact on normal splicing. However, these predictions have yet to be confirmed by functional studies. The variant allele was found at a frequency of 2.3e-05 in 172352 control chromosomes. The available data on variant occurrences in the general population are insufficient to allow any conclusion about variant significance. To our knowledge, no occurrence of c.37+6C>T in individuals affected with CEACAM16-related conditions and no experimental evidence demonstrating its impact on protein function have been reported. No submitters have cited clinical-significance assessments for this variant to ClinVar. Based on the evidence outlined above, the variant was classified as uncertain significance.